The following is an entry in ClinVar:

ClinVar aggregate classification (germline): Likely benign. Review status: criteria provided, multiple submitters, no conflicts (2 of 4 stars). 2 submissions from 2 submitters: Likely benign (2). Last evaluated 2026-07-21.

Conditions:
TNC-related disorder. Also called: TNC-related condition.

gnomAD v4.1: 15 of 1,613,482 alleles (0.00093%); highest among the groups gnomAD compares: Non-Finnish European, 0.0012%; no homozygotes.

Submissions (2):

PreventionGenetics, part of Exact Sciences
Classification: Likely benign for TNC-related condition. Last evaluated: 2026-07-21. Review status: criteria provided, single submitter. Criteria: ACMG Guidelines, 2015. Collection method: clinical testing. Allele origin: germline.
Comment: This variant is classified as likely benign based on ACMG/AMP sequence variant interpretation guidelines (Richards et al. 2015 PMID: 25741868, with internal and published modifications).

Blueprint Genetics
Classification: Likely benign. Last evaluated: 2022-07-29. Review status: criteria provided, single submitter. Criteria: ACMG Guidelines, 2015. Collection method: clinical testing. Allele origin: germline.

NM_002160.4(TNC):c.1185T>C (p.Asp395=)

Gene: TNC (tenascin C; minus strand). Cytogenetic location: 9q33.1.
Variant type: single nucleotide variant.
Coding change: c.1185T>C on transcript NM_002160.4 (MANE Select); coding-DNA position 1185, T replaced by C.
Protein change: p.Asp395=; no amino-acid change (aspartic acid 395 retained).
Molecular consequence: synonymous variant.
Genome position (GRCh38, 1-based): chr9:115,086,546, A>G on the plus strand (T>C on the coding strand, the complement: TNC is on the minus strand). VCF-style: chr9-115086546-A-G. GRCh37 (hg19) VCF-style: chr9-117848825-A-G.
Other names: c.1185T>C (NM_002160.3); c.1185T>C, p.Asp395= (NM_001410991.1, NM_001439065.1, NM_001439066.1 and 35 more transcripts).
Identifiers: ClinVar variation 4904316 (VCV004904316.2).
Genomic context (GRCh38, chr9:115,086,546, plus strand): 5'-ATGGCCACTGCAGCCATTGGGACACTTGAGCTCCCCACAGTCAGCTCCAGTGAAACCATC[A>G]TCACACTCACACCGCCCGTCTACACAGCGGCCACGATTGTGACAGTCAGCAGGACACCTC-3'
Protein context (NP_002151.2, residues 385-405): GRCVDGRCEC[Asp395=]DGFTGADCGE